The following is an entry in ClinVar:

NM_024757.5(EHMT1):c.989A>G (p.Lys330Arg)

Gene: EHMT1 (euchromatic histone lysine methyltransferase 1; plus strand). Cytogenetic location: 9q34.3.
Variant type: single nucleotide variant.
Coding change: c.989A>G on transcript NM_024757.5 (MANE Select); coding-DNA position 989, A replaced by G.
Protein change: p.Lys330Arg; replaces lysine 330 with arginine.
Molecular consequence: missense variant.
Genome position (GRCh38, 1-based): chr9:137,743,909, A>G. VCF-style: chr9-137743909-A-G. GRCh37 (hg19) VCF-style: chr9-140638361-A-G.
Other names: c.989A>G, p.Lys330Arg (NM_001145527.2, NM_001354611.2); c.896A>G, p.Lys299Arg (NM_001354259.2, NM_001354612.2); c.968A>G, p.Lys323Arg (NM_001354263.2); short protein forms K330R, K299R, K323R.
Identifiers: ClinVar variation 2864567 (VCV002864567.3), dbSNP rs2541616093, ClinGen allele CA375778706.

ClinVar aggregate classification (germline): Uncertain significance (1 of 4 stars; one submission).

Conditions:
Kleefstra syndrome 1 (KLEFS1). Identifiers: Orphanet 261494, MedGen C0795833, MONDO:0027407, OMIM 610253.

Submission:

Labcorp Genetics (formerly Invitae), Labcorp
Classification: Uncertain significance for Kleefstra syndrome 1. Last evaluated: 2023-05-29. Review status: criteria provided, single submitter. Criteria: Invitae Variant Classification Sherloc (09022015). Collection method: clinical testing. Allele origin: germline.
Comment: In summary, the available evidence is currently insufficient to determine the role of this variant in disease. Therefore, it has been classified as a Variant of Uncertain Significance. An algorithm developed to predict the effect of missense changes on protein structure and function (PolyPhen-2) suggests that this variant is likely to be disruptive. This variant has not been reported in the literature in individuals affected with EHMT1-related conditions. This variant is not present in population databases (gnomAD no frequency). This sequence change replaces lysine, which is basic and polar, with arginine, which is basic and polar, at codon 330 of the EHMT1 protein (p.Lys330Arg).